The following is an entry in ClinVar:

NM_013275.6(ANKRD11):c.7937_7938dup (p.Phe2647fs)

Gene: ANKRD11 (ankyrin repeat domain containing 11; minus strand). Cytogenetic location: 16q24.3.
Variant type: Duplication.
Coding change: c.7937_7938dup on transcript NM_013275.6 (MANE Select); coding-DNA positions 7937 to 7938, 2 bases duplicated (CC; older notation c.7937_7938dupCC).
Protein change: p.Phe2647fs; shifts the reading frame from phenylalanine 2647.
Molecular consequence: frameshift variant.
Genome position (GRCh38, 1-based): chr16:89,268,532-89,268,533, GG duplicated on the plus strand (CC on the coding strand, the reverse complement: ANKRD11 is on the minus strand). VCF-style (leftmost placement, unchanged base first): chr16-89268531-A-AGG. GRCh37 (hg19) VCF-style: chr16-89334939-A-AGG.
Other names: c.7937_7938dup, p.Phe2647fs (NM_001256182.2, NM_001256183.2); short protein forms F2647fs.
Identifiers: ClinVar variation 1677123 (VCV001677123.1), dbSNP rs2151660554, ClinGen allele CA2573152761.

ClinVar aggregate classification (germline): Uncertain significance (1 of 4 stars; one submission).

Submission:

Women's Health and Genetics/Laboratory Corporation of America, LabCorp
Classification: Uncertain significance. Last evaluated: 2022-03-16. Review status: criteria provided, single submitter. Criteria: LabCorp Variant Classification Summary - May 2015. Collection method: clinical testing. Allele origin: germline.
Comment: Variant summary: ANKRD11 c.7937_7938dupCC (p.Phe2647ProfsX39) causes a frameshift which results in an extension of the protein. The variant was absent in 153494 control chromosomes (gnomAD). The available data on variant occurrences in the general population are insufficient to allow any conclusion about variant significance. To our knowledge, no occurrence of c.7937_7938dupCC in individuals affected with KBG Syndrome and no experimental evidence demonstrating its impact on protein function have been reported. Protein extensions have not been reported to be associated with KBG Syndrome in HGMD. No clinical diagnostic laboratories have submitted clinical-significance assessments for this variant to ClinVar after 2014. Based on the evidence outlined above, the variant was classified as uncertain significance.